The following is an entry in ClinVar:

ClinVar aggregate classification (germline): Pathogenic/Likely pathogenic. Review status: criteria provided, multiple submitters, no conflicts (2 of 4 stars). 2 submissions from 2 submitters: Pathogenic (1); Likely pathogenic (1). Last evaluated 2022-01-03.

Conditions:
Charcot-Marie-Tooth disease recessive intermediate C. Also called: CHARCOT-MARIE-TOOTH NEUROPATHY, RECESSIVE INTERMEDIATE C. Identifiers: Orphanet 369867, MedGen C3809309, MONDO:0014154, OMIM 615376.

Allele frequency attached by ClinVar (database versions not stated): gnomAD exomes below 0.00001 and 0.00001.
gnomAD v4.1: 1 of 1,581,944 alleles (0.000063%); highest among the groups gnomAD compares: South Asian, 0.0011%; no homozygotes.

Submissions (2):

3billion
Classification: Pathogenic for Charcot-Marie-Tooth disease recessive intermediate C. Last evaluated: 2022-01-03. Review status: criteria provided, single submitter. Criteria: ACMG Guidelines, 2015. Collection method: clinical testing. Allele origin: germline. Affected: yes. Observed: 1 homozygote.
Comment: Canonical splice site: predicted to alter splicing and result in a loss or disruption of normal protein function through protein truncation. Multiple pathogenic variants are reported in the predicted truncated region (PVS1_VS). It is observed at an extremely low frequency in the gnomAD v2.1.1 dataset (total allele frequency: 0.000005, PM2_M). Patient's phenotype is considered compatible with Spinal muscular atrophy, distal, autosomal recessive, 4. Therefore, this variant is classified as pathogenic according to the recommendation of ACMG/AMP guideline.

Neuberg Centre For Genomic Medicine, NCGM
Classification: Likely pathogenic for Charcot-Marie-Tooth disease recessive intermediate C. Review status: criteria provided, single submitter. Criteria: ACMG Guidelines, 2015. Collection method: clinical testing. Allele origin: germline. Inheritance: Autosomal recessive inheritance. Affected: yes.
Comment: This invariant splice site c.1132-2A>C has not been reported previously as a pathogenic variant nor as a benign variant, to our knowledge. This variant has allele frequency of 0.00053% in the gnomAD and novel (not in any individuals) in 1000 Genomes. This variant has not been reported to the ClinVar database. Loss of function variants have been previously reported to be disease causing. For these reasons, this variant has been classified as Likely Pathogenic.

NM_020631.6(PLEKHG5):c.1132-2A>C

Gene: PLEKHG5 (pleckstrin homology and RhoGEF domain containing G5; minus strand). Cytogenetic location: 1p36.31.
Variant type: single nucleotide variant.
Coding change: c.1132-2A>C on transcript NM_020631.6 (MANE Select); the canonical splice acceptor site of the intron before coding-DNA position 1132, A replaced by C.
Molecular consequence: splice acceptor variant.
Genome position (GRCh38, 1-based): chr1:6,471,639, T>G on the plus strand (A>C on the coding strand, the complement: PLEKHG5 is on the minus strand). VCF-style: chr1-6471639-T-G. GRCh37 (hg19) VCF-style: chr1-6531699-T-G.
Other names: c.1132-2A>C (NM_198681.4, NM_001265594.3, NM_001042664.2 and 1 more transcripts); c.1243-2A>C (NM_001042663.3, NM_001265592.2); c.1339-2A>C (NM_001265593.2).
Identifiers: ClinVar variation 1333504 (VCV001333504.1), dbSNP rs1557742277, ClinGen allele CA338130578.